The following is an entry in ClinVar:

NM_002755.4(MAP2K1):c.724G>A (p.Val242Met)

Gene: MAP2K1 (mitogen-activated protein kinase kinase 1; plus strand). Cytogenetic location: 15q22.31.
Variant type: single nucleotide variant.
Coding change: c.724G>A on transcript NM_002755.4 (MANE Select); coding-DNA position 724, G replaced by A.
Protein change: p.Val242Met; replaces valine 242 with methionine.
Molecular consequence: missense variant.
Genome position (GRCh38, 1-based): chr15:66,485,020, G>A. VCF-style: chr15-66485020-G-A. GRCh37 (hg19) VCF-style: chr15-66777358-G-A.
Other names: c.580G>A, p.Val194Met (NM_001411065.1); short protein forms V194M, V242M.
Identifiers: ClinVar variation 2198290 (VCV002198290.4), dbSNP rs761435303, ClinGen allele CA7624012.

ClinVar aggregate classification (germline): Uncertain significance (1 of 4 stars; one submission).

Conditions:
RASopathy. Also called: Noonan spectrum disorder; rasopathies. Identifiers: Orphanet 536391, MedGen C5555857, MONDO:0021060.

Allele frequency attached by ClinVar (database versions not stated): gnomAD exomes below 0.00001; ExAC 0.00001.
gnomAD v4.1: 2 of 1,613,646 alleles (0.00012%); highest among the groups gnomAD compares: Non-Finnish European, 0.00017%; no homozygotes.

Submission:

Labcorp Genetics (formerly Invitae), Labcorp
Classification: Uncertain significance for RASopathy. Last evaluated: 2022-08-22. Review status: criteria provided, single submitter. Criteria: Invitae Variant Classification Sherloc (09022015). Collection method: clinical testing. Allele origin: germline.
Comment: This sequence change replaces valine, which is neutral and non-polar, with methionine, which is neutral and non-polar, at codon 242 of the MAP2K1 protein (p.Val242Met). This variant is present in population databases (rs761435303, gnomAD 0.0009%). This variant has not been reported in the literature in individuals affected with MAP2K1-related conditions. Advanced modeling of protein sequence and biophysical properties (such as structural, functional, and spatial information, amino acid conservation, physicochemical variation, residue mobility, and thermodynamic stability) performed at Invitae indicates that this missense variant is expected to disrupt MAP2K1 protein function. In summary, the available evidence is currently insufficient to determine the role of this variant in disease. Therefore, it has been classified as a Variant of Uncertain Significance.